The following is an entry in ClinVar:

NM_001042492.3(NF1):c.4930G>C (p.Asp1644His)

Gene: NF1 (neurofibromin 1; plus strand). Cytogenetic location: 17q11.2.
Variant type: single nucleotide variant.
Coding change: c.4930G>C on transcript NM_001042492.3 (MANE Select); coding-DNA position 4930, G replaced by C.
Protein change: p.Asp1644His; replaces aspartic acid 1644 with histidine.
Molecular consequence: missense variant.
Genome position (GRCh38, 1-based): chr17:31,325,914, G>C. VCF-style: chr17-31325914-G-C. GRCh37 (hg19) VCF-style: chr17-29652932-G-C.
Other names: c.4867G>C, p.Asp1623His (NM_000267.4); short protein forms D1623H, D1644H.
Identifiers: ClinVar variation 527458 (VCV000527458.5), dbSNP rs1131691123, ClinGen allele CA399007131.

ClinVar aggregate classification (germline): Likely pathogenic (1 of 4 stars; one submission).

Conditions:
Neurofibromatosis, type 1 (NF1). Also called: VON RECKLINGHAUSEN DISEASE; NEUROFIBROMATOSIS, TYPE I, SOMATIC; Peripheral type neurofibromatosis; Neurofibromatosis, type I. Identifiers: Orphanet 636, MedGen C0027831, MONDO:0018975, OMIM 162200. Disease mechanism: loss of function.

Submission:

Labcorp Genetics (formerly Invitae), Labcorp
Classification: Likely pathogenic for Neurofibromatosis, type 1. Last evaluated: 2025-01-27. Review status: criteria provided, single submitter. Criteria: Invitae Variant Classification Sherloc (09022015). Collection method: clinical testing. Allele origin: germline.
Comment: This sequence change replaces aspartic acid, which is acidic and polar, with histidine, which is basic and polar, at codon 1623 of the NF1 protein (p.Asp1623His). This variant is not present in population databases (gnomAD no frequency). This missense change has been observed in individual(s) with diagnosed or suspected neurofibromatosis type 1 (PMID: 21520333, 26740943). ClinVar contains an entry for this variant (Variation ID: 527458). Invitae Evidence Modeling of protein sequence and biophysical properties (such as structural, functional, and spatial information, amino acid conservation, physicochemical variation, residue mobility, and thermodynamic stability) indicates that this missense variant is expected to disrupt NF1 protein function with a positive predictive value of 95%. This variant disrupts the p.Asp1623 amino acid residue in NF1. Other variant(s) that disrupt this residue have been determined to be pathogenic (PMID: 23913538; internal data). This suggests that this residue is clinically significant, and that variants that disrupt this residue are likely to be disease-causing. In summary, the currently available evidence indicates that the variant is pathogenic, but additional data are needed to prove that conclusively. Therefore, this variant has been classified as Likely Pathogenic.

Literature cited by the submitters: PubMed 21520333; PubMed 26740943; PubMed 23913538.